The following is an entry in ClinVar:

ClinVar aggregate classification (germline): Uncertain significance. Review status: criteria provided, multiple submitters, no conflicts (2 of 4 stars). 2 submissions from 2 submitters: Uncertain significance (2). Last evaluated 2024-09-09.

Conditions:
Cardiovascular phenotype. Identifiers: MedGen CN230736.

Allele frequency attached by ClinVar (database versions not stated): 1000 Genomes Project 30x 0.00016.
gnomAD v4.1: 7 of 1,549,802 alleles (0.00045%); highest among the groups gnomAD compares: East Asian, 0.0049%; no homozygotes.

Submissions (2):

Ambry Genetics
Classification: Uncertain significance for Cardiovascular phenotype. Last evaluated: 2024-09-09. Review status: criteria provided, single submitter. Criteria: Ambry Variant Classification Scheme 2023. Collection method: clinical testing. Allele origin: germline.

Labcorp Genetics (formerly Invitae), Labcorp
Classification: Uncertain significance. Last evaluated: 2022-06-28. Review status: criteria provided, single submitter. Criteria: Invitae Variant Classification Sherloc (09022015). Collection method: clinical testing. Allele origin: germline.
Comment: This sequence change replaces proline, which is neutral and non-polar, with arginine, which is basic and polar, at codon 588 of the ZNF469 protein (p.Pro588Arg). This variant is present in population databases (no rsID available, gnomAD 0.004%). This variant has not been reported in the literature in individuals affected with ZNF469-related conditions. Algorithms developed to predict the effect of missense changes on protein structure and function are either unavailable or do not agree on the potential impact of this missense change (SIFT: "Deleterious"; PolyPhen-2: "Probably Damaging"; Align-GVGD: "Class C0"). In summary, the available evidence is currently insufficient to determine the role of this variant in disease. Therefore, it has been classified as a Variant of Uncertain Significance.

NM_001367624.2(ZNF469):c.1763C>G (p.Pro588Arg)

Gene: ZNF469 (zinc finger protein 469; plus strand). Cytogenetic location: 16q24.2.
Variant type: single nucleotide variant.
Coding change: c.1763C>G on transcript NM_001367624.2 (MANE Select); coding-DNA position 1763, C replaced by G.
Protein change: p.Pro588Arg; replaces proline 588 with arginine.
Molecular consequence: missense variant.
Genome position (GRCh38, 1-based): chr16:88,429,233, C>G. VCF-style: chr16-88429233-C-G. GRCh37 (hg19) VCF-style: chr16-88495641-C-G.
Other names: NM_001127464.1:c.1763C>G; short protein forms P588R.
Identifiers: ClinVar variation 1445466 (VCV001445466.9), dbSNP rs916979861, ClinGen allele CA397068415.